The following is an entry in ClinVar:

ClinVar aggregate classification (germline): Pathogenic. Review status: reviewed by expert panel (3 of 4 stars). 42 submissions from 41 submitters: Pathogenic (1). 41 of the submissions do not count toward it. Last evaluated 2016-04-22.

Conditions:
BRCA2-related disorder. Also called: BRCA2-related condition; BRCA2-related disorders. Identifiers: MedGen CN239275.
Wilms tumor 1 (WT1). Also called: Wilms tumor, somatic. Identifiers: Orphanet 654, MedGen CN033288, MONDO:0008679, OMIM 194070.
Medulloblastoma (MDB). Also called: Medulloblastoma, somatic; MEDULLOBLASTOMA PREDISPOSITION SYNDROME. Identifiers: Orphanet 616, MedGen C0025149, MeSH D008527, MONDO:0007959, OMIM 155255, HP:0002885.
Breast-ovarian cancer, familial, susceptibility to, 2 (BROVCA2). Also called: BRCA2 Hereditary Breast and Ovarian Cancer. Identifiers: Orphanet 145, MedGen C2675520, MONDO:0012933, OMIM 612555. Disease mechanism: loss of function.
Familial cancer of breast. Also called: Hereditary breast cancer; hereditary breast carcinoma; BREAST CANCER, FAMILIAL. Identifiers: Orphanet 227535, MedGen C0346153, MONDO:0016419, OMIM 114480. Disease mechanism: loss of function.
Glioma susceptibility 3 (GLM3). Also called: Glioblastoma 3. Identifiers: Orphanet 182067, Orphanet 360, MedGen C2751641, MONDO:0013093, OMIM 613029.
Pancreatic cancer, susceptibility to, 2. Identifiers: Orphanet 1333, MedGen C3150546, MONDO:0013235, OMIM 613347.
Prostate cancer. Also called: Malignant tumor of prostate. Identifiers: Orphanet 1331, MedGen C0376358, MONDO:0008315, HP:0012125.
Fanconi anemia complementation group D1. Also called: BRCA2-Related Fanconi Anemia. Identifiers: Orphanet 319462, MedGen C1838457, MONDO:0011584, OMIM 605724.
Breast neoplasm. Also called: Breast Neoplasms; Neoplasm of breast; Breast tumor; Neoplasm of the breast. Identifiers: MedGen C1458155, MeSH D001943, MONDO:0021100, HP:0100013. Disease mechanism: gain of function.
Inherited ovarian cancer (without breast cancer).
Inherited breast cancer and ovarian cancer.
Hereditary cancer-predisposing syndrome. Also called: Neoplastic Syndromes, Hereditary; Hereditary neoplastic syndrome; Hereditary Cancer Syndrome; Tumor predisposition. Identifiers: Orphanet 140162, MedGen C0027672, MeSH D009386, MONDO:0015356.
Gastric cancer. Also called: Malignant tumor of stomach; Stomach cancer. Identifiers: MedGen C0024623, MeSH D013274, MONDO:0001056, OMIM 613659, HP:0012126.
Hereditary breast ovarian cancer syndrome. Also called: Hereditary breast and ovarian cancer syndrome (HBOC); Breast and ovarian cancer; BRCA1- and BRCA2-Associated Hereditary Breast and Ovarian Cancer; Hereditary breast and ovarian cancer syndrome; Hereditary breast and ovarian cancer; Hereditary breast and/or ovarian cancer syndrome. Identifiers: Orphanet 145, MedGen C0677776, MeSH D061325, MONDO:0003582. Disease mechanism: loss of function.
Ovarian neoplasm. Also called: Ovarian Neoplasms; Ovarian tumor; Neoplasm of ovary. Identifiers: MedGen C0919267, MeSH D010051, MONDO:0021068, HP:0100615.

gnomAD v4.1: 15 of 1,607,640 alleles (0.00093%); highest among the groups gnomAD compares: East Asian, 0.031%; no homozygotes.

Submissions 1 to 9 of 42:

Evidence-based Network for the Interpretation of Germline Mutant Alleles (ENIGMA)
Classification: Pathogenic for Breast-ovarian cancer, familial, susceptibility to, 2. Last evaluated: 2016-04-22. Review status: reviewed by expert panel. Criteria: ENIGMA BRCA1/2 Classification Criteria (2015). Collection method: curation. Allele origin: germline.
Comment: Variant allele predicted to encode a truncated non-functional protein.

Labcorp Genetics (formerly Invitae), Labcorp
Classification: Pathogenic for Hereditary breast ovarian cancer syndrome. Last evaluated: 2026-01-26. Review status: criteria provided, single submitter. Criteria: Invitae Variant Classification Sherloc (09022015). Collection method: clinical testing. Allele origin: germline. Not counted in ClinVar's aggregate classification.
Comment: This sequence change creates a premature translational stop signal (p.Arg2318*) in the BRCA2 gene. It is expected to result in an absent or disrupted protein product. Loss-of-function variants in BRCA2 are known to be pathogenic (PMID: 20104584). This variant is not present in population databases (gnomAD no frequency). This premature translational stop signal has been observed in individual(s) with breast and/or ovarian cancer (PMID: 19016756, 22217648, 25802882, 25863477, 26187060). This variant is also known as 7180C>T. ClinVar contains an entry for this variant (Variation ID: 38076). For these reasons, this variant has been classified as Pathogenic.

Center for Genomic Medicine, Rigshospitalet, Copenhagen University Hospital
Classification: Pathogenic. Last evaluated: 2025-12-29. Review status: criteria provided, single submitter. Criteria: ACMG Guidelines, 2015. Collection method: clinical testing. Allele origin: germline. Not counted in ClinVar's aggregate classification.
Comment: Classification criteria: PVS1, PM5_strong

Genetics Laboratory, Great Ormond Street Hospital NHS Foundation Trust, North Thames Genomic Laboratory Hub
Classification: Pathogenic for Inherited breast cancer and ovarian cancer. Last evaluated: 2025-12-01. Review status: criteria provided, single submitter. Criteria: CanVIG BRCA Gene Specific V1.22. Collection method: clinical testing. Allele origin: germline. Affected: yes. Not counted in ClinVar's aggregate classification.
Comment: PVS1_very-strong, PM5_strong, PP4_strong

Genetics Laboratory, Great Ormond Street Hospital NHS Foundation Trust, North Thames Genomic Laboratory Hub
Classification: Pathogenic for Inherited ovarian cancer (without breast cancer). Last evaluated: 2025-12-01. Review status: criteria provided, single submitter. Criteria: CanVIG BRCA Gene Specific V1.22. Collection method: clinical testing. Allele origin: germline. Affected: yes. Not counted in ClinVar's aggregate classification.
Comment: the same text as in the submission from Genetics Laboratory, Great Ormond Street Hospital NHS Foundation Trust, North Thames Genomic Laboratory Hub above.

Ambry Genetics
Classification: Pathogenic for Hereditary cancer-predisposing syndrome. Last evaluated: 2025-06-05. Review status: criteria provided, single submitter. Criteria: Ambry Variant Classification Scheme 2023. Collection method: clinical testing. Allele origin: germline. Not counted in ClinVar's aggregate classification.
Comment: The p.R2318* pathogenic mutation (also known as c.6952C>T), located in coding exon 12 of the BRCA2 gene, results from a C to T substitution at nucleotide position 6952. This changes the amino acid from an arginine to a stop codon within coding exon 12. This mutation was identified as disease causing in a cohort of Korean breast cancer patients and Japanese breast and/or ovarian cancer patients (Jang JH et al. J et al. Hum. Genet. 2012 Mar; 57(3):212-5; Hirotsu Y et al. Mol Genet Genomic Med. 2015 Mar; 3(2):121-9). This mutation was also identified in two cohorts of ovarian cancer patients, one from Malaysia (Hasmad HN et al. Gynecol. Oncol. 2016 May;141:318-22) and the other from China (Zhao Q et al. J Gynecol Oncol. 2017 Jul;28:e39), as well as in a Japanese cohort of pancreatic cancer patients (Takai E et al. Oncotarget. 2016 Nov;7:74227-74235). Of note, this alteration is also designated as 7180C>T in published literature. This variant is considered to be rare based on population cohorts in the Genome Aggregation Database (gnomAD). In addition to the clinical data presented in the literature, this alteration is expected to result in loss of function by premature protein truncation or nonsense-mediated mRNA decay. As such, this alteration is interpreted as a disease-causing mutation.

Dasa
Classification: Pathogenic for Breast-ovarian cancer, familial, susceptibility to, 2. Last evaluated: 2025-05-07. Review status: criteria provided, single submitter. Criteria: DASA Assertion Criteria. Collection method: clinical testing. Allele origin: germline. Not counted in ClinVar's aggregate classification.
Comment: NM_000059.4(BRCA2):c.6952C>T (p.Arg2318*) introduces a premature termination codon predicted to result in loss of normal protein function. Loss-of-function is an established mechanism of disease for this gene. The affected residue or protein region has prior evidence supporting clinical relevance. This variant has been recurrently observed in individuals with Breast-ovarian cancer, familial, susceptibility to, 2 (PMID: 35557031; PMID: 29907814). The variant is present at low frequency in population datasets. Based on the available data, this variant is classified as pathogenic.

ARUP Laboratories, Molecular Genetics and Genomics, ARUP Laboratories
Classification: Pathogenic. Last evaluated: 2024-08-07. Review status: criteria provided, single submitter. Criteria: ARUP Molecular Germline Variant Investigation Process 2024. Collection method: clinical testing. Allele origin: germline. Not counted in ClinVar's aggregate classification.
Comment: The BRCA2 c.6952C>T; p.Arg2318Ter variant (rs80358920, ClinVar Variation ID: 38076) is reported in the literature in individuals affected with breast and/or ovarian cancers (selected references: Sugano 2008, Wagner 1999). Additionally, this variant has been reported in individuals with Fanconi anemia who carried an additional BRCA2 truncating variant (Mori 2019). This variant is also absent from the Genome Aggregation Database (v2.1.1), indicating it is not a common polymorphism. This variant induces an early termination codon and is predicted to result in a truncated protein or mRNA subject to nonsense-mediated decay. Based on available information, this variant is considered to be pathogenic. References: Mori M et al. Pathogenic mutations identified by a multimodality approach in 117 Japanese Fanconi anemia patients. Haematologica. 2019 Oct;104(10):1962-1973. doi: 10.3324/haematol.2018.207241. Epub 2019 Feb 21. Erratum in: Haematologica. 2020 Apr;105(4):1166-1167. PMID: 30792206. Sugano K et al. Cross-sectional analysis of germline BRCA1 and BRCA2 mutations in Japanese patients suspected to have hereditary breast/ovarian cancer. Cancer Sci. 2008 Oct;99(10):1967-76. PMID: 19016756. Wagner T et al. Denaturing high-performance liquid chromatography detects reliably BRCA1 and BRCA2 mutations. Genomics. 1999 Dec 15;62(3):369-76. PMID: 10644434.

Department of Human Genetics, Hannover Medical School
Classification: Pathogenic for Breast-ovarian cancer, familial, susceptibility to, 2. Last evaluated: 2024-07-15. Review status: criteria provided, single submitter. Criteria: ACMG Guidelines, 2015. Collection method: clinical testing. Allele origin: germline. Inheritance: Autosomal dominant inheritance. Affected: yes. Not counted in ClinVar's aggregate classification.

NM_000059.4(BRCA2):c.6952C>T (p.Arg2318Ter)

Gene: BRCA2 (BRCA2 DNA repair associated; plus strand). Cytogenetic location: 13q13.1.
Variant type: single nucleotide variant.
Coding change: c.6952C>T on transcript NM_000059.4 (MANE Select); coding-DNA position 6952, C replaced by T.
Protein change: p.Arg2318Ter; replaces arginine 2318 with a stop codon.
Molecular consequence: nonsense.
Genome position (GRCh38, 1-based): chr13:32,346,841, C>T. VCF-style: chr13-32346841-C-T. GRCh37 (hg19) VCF-style: chr13-32920978-C-T.
Other names: p.R2318*:CGA>TGA; 7180C>T; short protein forms R2318*.
Identifiers: ClinVar variation 38076 (VCV000038076.98), dbSNP rs80358920, ClinGen allele CA024619.